The following is an entry in ClinVar:

ClinVar aggregate classification (germline): Uncertain significance (1 of 4 stars; one submission).

Conditions:
Ehlers-Danlos syndrome, classic type, 1 (EDSCL1). Also called: Ehlers-Danlos Syndrome, Classic Type, COL5A1-Related; EDS I; Ehlers-Danlos syndrome, type 1; EHLERS-DANLOS SYNDROME, GRAVIS TYPE; EHLERS-DANLOS SYNDROME, SEVERE CLASSIC TYPE. Identifiers: MedGen C0268335, MONDO:0019567, OMIM 130000.

Submission:

Labcorp Genetics (formerly Invitae), Labcorp
Classification: Uncertain significance for Ehlers-Danlos syndrome, classic type, 1. Last evaluated: 2018-06-25. Review status: criteria provided, single submitter. Criteria: Invitae Variant Classification Sherloc (09022015). Collection method: clinical testing. Allele origin: germline.
Comment: In summary, the available evidence is currently insufficient to determine the role of this variant in disease. Therefore, it has been classified as a Variant of Uncertain Significance. Experimental studies and prediction algorithms are not available for this variant, and the functional significance of the deleted amino acid is currently unknown. This variant has not been reported in the literature in individuals with COL5A1-related disease. This variant is not present in population databases (ExAC no frequency). This variant, c.126_128delCCT, results in the deletion of 1 amino acid(s) of the COL5A1 protein (p.Leu43del), but otherwise preserves the integrity of the reading frame.

NM_000093.5(COL5A1):c.126_128del (p.Leu43del)

Gene: COL5A1 (collagen type V alpha 1 chain; plus strand). Cytogenetic location: 9q34.3.
Variant type: Deletion.
Coding change: c.126_128del on transcript NM_000093.5 (MANE Select); coding-DNA positions 126 to 128, 3 bases deleted (CCT; older notation c.126_128delCCT).
Protein change: p.Leu43del; deletes leucine 43.
Molecular consequence: inframe deletion.
Genome position (GRCh38, 1-based): chr9:134,690,928-134,690,930, CCT deleted; deleting any 3 consecutive bases within chr9:134,690,926-134,690,930 gives the same sequence; the c. name uses the placement nearest the transcript's 3' end. VCF-style (leftmost placement, unchanged base first): chr9-134690925-TCTC-T. GRCh37 (hg19) VCF-style: chr9-137582771-TCTC-T.
Other names: c.126_128del, p.Leu43del (NM_001278074.1); c.126_128delCCT (NM_000093.4); short protein forms L43del.
Identifiers: ClinVar variation 575473 (VCV000575473.8), dbSNP rs1564390373, ClinGen allele CA891842660.